The following is an entry in ClinVar:

ClinVar aggregate classification (germline): Pathogenic (1 of 4 stars; one submission).

Conditions:
Aortic aneurysm, familial thoracic 4 (AAT4). Also called: AORTIC ANEURYSM/AORTIC DISSECTION AND PATENT DUCTUS ARTERIOSUS. Identifiers: MedGen C1851504, MONDO:0007568, OMIM 132900.

Submission:

Labcorp Genetics (formerly Invitae), Labcorp
Classification: Pathogenic for Aortic aneurysm, familial thoracic 4. Last evaluated: 2022-09-07. Review status: criteria provided, single submitter. Criteria: Invitae Variant Classification Sherloc (09022015). Collection method: clinical testing. Allele origin: germline.
Comment: For these reasons, this variant has been classified as Pathogenic. This variant has not been reported in the literature in individuals affected with MYH11-related conditions. This variant is not present in population databases (gnomAD no frequency). This sequence change creates a premature translational stop signal (p.Asp1107Thrfs*11) in the MYH11 gene. It is expected to result in an absent or disrupted protein product. Loss-of-function variants in MYH11 are known to be pathogenic (PMID: 25407000, 29575632).

Literature cited by the submitters: PubMed 25407000; PubMed 29575632.

NM_002474.3(MYH11):c.3297del (p.Asp1100fs)

Gene: MYH11 (myosin heavy chain 11; minus strand). Cytogenetic location: 16p13.11.
Variant type: Deletion.
Coding change: c.3297del on transcript NM_002474.3 (MANE Select); coding-DNA position 3297, one base deleted (T; older notation c.3297delT).
Protein change: p.Asp1100fs; shifts the reading frame from aspartic acid 1100.
Molecular consequence: frameshift variant.
Genome position (GRCh38, 1-based): chr16:15,735,575, A deleted on the plus strand (T on the coding strand, the reverse complement: MYH11 is on the minus strand); the first of 2 consecutive A bases (chr16:15,735,575-15,735,576); deleting either gives the same sequence. VCF-style (leftmost placement, unchanged base first): chr16-15735574-CA-C. GRCh37 (hg19) VCF-style: chr16-15829431-CA-C.
Other names: c.3318del, p.Asp1107fs (NM_001040113.2, NM_001040114.2); c.3297del, p.Asp1100fs (NM_022844.3); short protein forms D1100fs, D1107fs.
Identifiers: ClinVar variation 2029392 (VCV002029392.4), dbSNP rs2506177866, ClinGen allele CA2580090758.
Genomic context (GRCh38, chr16:15,735,574, plus strand): 5'-TGTGGCCCTCCAGCTCCCGGATCTTCTTCAGGGCATTGTTCTTCTGAGCGATTTCATCGT[CA>C]AGCCTTCCAGGGAGAGACCCAGCAGAATGAACCCCCAGGTCCCTTGGTTTCCTCTCTTAC-3'